The following is an entry in ClinVar:

NM_002599.5(PDE2A):c.641C>T (p.Ala214Val)

Gene: PDE2A (phosphodiesterase 2A; minus strand). Cytogenetic location: 11q13.4.
Variant type: single nucleotide variant.
Coding change: c.641C>T on transcript NM_002599.5 (MANE Select); coding-DNA position 641, C replaced by T.
Protein change: p.Ala214Val; replaces alanine 214 with valine.
Molecular consequence: missense variant.
Genome position (GRCh38, 1-based): chr11:72,590,489, G>A on the plus strand (C>T on the coding strand, the complement: PDE2A is on the minus strand). VCF-style: chr11-72590489-G-A. GRCh37 (hg19) VCF-style: chr11-72301533-G-A.
Other names: c.620C>T, p.Ala207Val (NM_001143839.4); c.614C>T, p.Ala205Val (NM_001146209.3); c.578C>T, p.Ala193Val (NM_001243784.2); short protein forms A205V, A214V, A193V, A207V.
Identifiers: ClinVar variation 1441282 (VCV001441282.8), dbSNP rs369285441, ClinGen allele CA6172502.
Genomic context (GRCh38, chr11:72,590,489, plus strand): 5'-CACAGTTGGAGGATCTTGCGGTCGCGGTCGGTGTACGCCGCCCCGCCCTTCTGGTCTTCC[G>A]CCGTCCCCTCCGGGGGGTTCTGGACGGCTCGGGGAGCCTCCCTGGGCCCGCGCTGCTGCA-3'
Protein context (NP_002590.1, residues 204-224): RAVQNPPEGT[Ala214Val]EDQKGGAAYT

ClinVar aggregate classification (germline): Uncertain significance (1 of 4 stars; one submission).

Allele frequency attached by ClinVar (database versions not stated): TOPMed 0.00002; gnomAD 0.00003; ExAC 0.00006; ESP Exome Variant Server 0.00008.
gnomAD v4.1: 15 of 1,525,746 alleles (0.00098%); highest among the groups gnomAD compares: African/African-American, 0.0014%; no homozygotes.

Submission:

Labcorp Genetics (formerly Invitae), Labcorp
Classification: Uncertain significance. Last evaluated: 2022-01-10. Review status: criteria provided, single submitter. Criteria: Invitae Variant Classification Sherloc (09022015). Collection method: clinical testing. Allele origin: germline.
Comment: This sequence change replaces alanine, which is neutral and non-polar, with valine, which is neutral and non-polar, at codon 214 of the PDE2A protein (p.Ala214Val). The frequency data for this variant in the population databases is considered unreliable, as metrics indicate poor data quality at this position in the gnomAD database. This variant has not been reported in the literature in individuals affected with PDE2A-related conditions. Algorithms developed to predict the effect of missense changes on protein structure and function output the following: SIFT: "Tolerated"; PolyPhen-2: "Benign"; Align-GVGD: "Class C0". The valine amino acid residue is found in multiple mammalian species, which suggests that this missense change does not adversely affect protein function. In summary, the available evidence is currently insufficient to determine the role of this variant in disease. Therefore, it has been classified as a Variant of Uncertain Significance.